The following is an entry in ClinVar:

NM_001363711.2(DUOX2):c.488G>A (p.Arg163Gln)

Gene: DUOX2 (dual oxidase 2; minus strand). Cytogenetic location: 15q21.1.
Variant type: single nucleotide variant.
Coding change: c.488G>A on transcript NM_001363711.2 (MANE Select); coding-DNA position 488, G replaced by A.
Protein change: p.Arg163Gln; replaces arginine 163 with glutamine.
Molecular consequence: missense variant.
Genome position (GRCh38, 1-based): chr15:45,111,793, C>T on the plus strand (G>A on the coding strand, the complement: DUOX2 is on the minus strand). VCF-style: chr15-45111793-C-T. GRCh37 (hg19) VCF-style: chr15-45403991-C-T.
Other names: c.488G>A, p.Arg163Gln (NM_014080.5); short protein forms R163Q.
Identifiers: ClinVar variation 2971812 (VCV002971812.3), dbSNP rs374459143, ClinGen allele CA7538946.

ClinVar aggregate classification (germline): Uncertain significance (1 of 4 stars; one submission).

Allele frequency attached by ClinVar (database versions not stated): 1000 Genomes Project 30x 0.00047; gnomAD 0.00007; ESP Exome Variant Server 0.00008; gnomAD exomes 0.00001; TOPMed 0.00007; 1000 Genomes Project 0.00040.

Submission:

Labcorp Genetics (formerly Invitae), Labcorp
Classification: Uncertain significance. Last evaluated: 2025-09-07. Review status: criteria provided, single submitter. Criteria: Invitae Variant Classification Sherloc (09022015). Collection method: clinical testing. Allele origin: germline.
Comment: This sequence change replaces arginine, which is basic and polar, with glutamine, which is neutral and polar, at codon 163 of the DUOX2 protein (p.Arg163Gln). This variant is present in population databases (rs374459143, gnomAD 0.02%). This variant has not been reported in the literature in individuals affected with DUOX2-related conditions. ClinVar contains an entry for this variant (Variation ID: 2971812). Invitae Evidence Modeling of protein sequence and biophysical properties (such as structural, functional, and spatial information, amino acid conservation, physicochemical variation, residue mobility, and thermodynamic stability) indicates that this missense variant is not expected to disrupt DUOX2 protein function with a negative predictive value of 80%. In summary, the available evidence is currently insufficient to determine the role of this variant in disease. Therefore, it has been classified as a Variant of Uncertain Significance.